The following is an entry in ClinVar:

NM_000257.4(MYH7):c.1899_1904dup (p.634GK[3])

Gene: MYH7 (myosin heavy chain 7; minus strand). Cytogenetic location: 14q11.2.
Variant type: Duplication.
Coding change: c.1899_1904dup on transcript NM_000257.4 (MANE Select); coding-DNA positions 1899 to 1904, 6 bases duplicated (GGGCAA; older notation c.1899_1904dupGGGCAA).
Protein change: p.634GK[3].
Molecular consequence: inframe insertion.
Genome position (GRCh38, 1-based): chr14:23,427,292-23,427,297, TTGCCC duplicated on the plus strand (GGGCAA on the coding strand, the reverse complement: MYH7 is on the minus strand); duplicating any 6 consecutive bases within chr14:23,427,292-23,427,299 gives the same sequence; the c. name uses the placement nearest the transcript's 3' end. VCF-style (leftmost placement, unchanged base first): chr14-23427291-T-TTTGCCC. GRCh37 (hg19) VCF-style: chr14-23896500-T-TTTGCCC.
Identifiers: ClinVar variation 1510268 (VCV001510268.7), dbSNP rs2138671208, ClinGen allele CA2573149847.

ClinVar aggregate classification (germline): Uncertain significance. Review status: criteria provided, multiple submitters, no conflicts (2 of 4 stars). 2 submissions from 2 submitters: Uncertain significance (2). Last evaluated 2023-11-02.

Conditions:
Cardiomyopathy (CMYO). Also called: Cardiomyopathies. Identifiers: Orphanet 167848, MedGen C0878544, MONDO:0004994, HP:0001638. Inheritance: Various modes of inheritance.
Hypertrophic cardiomyopathy. Also called: HYPERTROPHIC MYOCARDIOPATHY. Identifiers: Orphanet 217569, MedGen C0007194, MeSH D002312, MONDO:0005045, HP:0001639.

Submissions (2):

All of Us Research Program, National Institutes of Health
Classification: Uncertain significance for Cardiomyopathy. Last evaluated: 2023-11-02. Review status: criteria provided, single submitter. Criteria: ACMG Guidelines, 2015. Collection method: clinical testing. Allele origin: germline. Inheritance: Autosomal dominant inheritance. Observed: 1 variant allele, 1 heterozygote.
Comment: This variant causes an in-frame duplication of two amino acids in the MYH7 protein. To our knowledge, functional studies have not been reported for this variant. This variant has not been reported in individuals affected with MYH7-related disorders in the literature. This variant has not been identified in the general population by the Genome Aggregation Database (gnomAD). The available evidence is insufficient to determine the role of this variant in disease conclusively. Therefore, this variant is classified as a Variant of Uncertain Significance.

This study involves interpretation of variants in research participants for the purpose of population health screening. Participant phenotype was not available at the time of variant classification. Additional details can be found in publication PMID: 35346344, PMCID: PMC8962531

Labcorp Genetics (formerly Invitae), Labcorp
Classification: Uncertain significance for Hypertrophic cardiomyopathy. Last evaluated: 2021-08-04. Review status: criteria provided, single submitter. Criteria: Invitae Variant Classification Sherloc (09022015). Collection method: clinical testing. Allele origin: germline.
Comment: In summary, the available evidence is currently insufficient to determine the role of this variant in disease. Therefore, it has been classified as a Variant of Uncertain Significance. This variant, c.1899_1904dup, results in the insertion of 2 amino acid(s) to the MYH7 protein (p.Gly636_Lys637dup), but otherwise preserves the integrity of the reading frame. This variant is not present in population databases (ExAC no frequency). This variant has not been reported in the literature in individuals affected with MYH7-related conditions. Experimental studies and prediction algorithms are not available or were not evaluated, and the functional significance of this variant is currently unknown.